The following is an entry in ClinVar:

NM_020806.5(GPHN):c.1976-7C>T

Genes: GPHN (gephyrin; plus strand), LOC126861970 (MED14-independent group 3 enhancer GRCh37_chr14:67634697-67635896; plus strand). Cytogenetic location: 14q23.3.
Variant type: single nucleotide variant.
Coding change: c.1976-7C>T on transcript NM_020806.5 (MANE Select); 7 bases into the intron before coding-DNA position 1976, C replaced by T.
Molecular consequence: intron variant.
Genome position (GRCh38, 1-based): chr14:67,168,926, C>T. VCF-style: chr14-67168926-C-T. GRCh37 (hg19) VCF-style: chr14-67635643-C-T.
Other names: c.2036-7C>T (NM_001377514.1); c.1916-7C>T (NM_001377519.1); c.2006-7C>T (NM_001377515.1); c.1997-7C>T (NM_001377516.1); c.1934-7C>T (NM_001377518.1); c.1949-7C>T (NM_001377517.1); c.1877-7C>T (NM_001024218.2); c.1976-7C>T (NM_020806.4).
Identifiers: ClinVar variation 1142989 (VCV001142989.11), dbSNP rs565205810, ClinGen allele CA7234240.

ClinVar aggregate classification (germline): Likely benign. Review status: criteria provided, single submitter (1 of 4 stars). 2 submissions from 2 submitters: Likely benign (1). 1 of the submissions does not count toward it. Last evaluated 2025-03-31.

Conditions:
GPHN-related disorder. Also called: GPHN-related condition.
Sulfite oxidase deficiency due to molybdenum cofactor deficiency type C. Also called: Molybdenum cofactor deficiency, complementation group C; Molybdenum cofactor deficiency C. Identifiers: Orphanet 308400, Orphanet 833, MedGen C1854990, MONDO:0014212, OMIM 615501.

Allele frequency attached by ClinVar (database versions not stated): gnomAD 0.00001; gnomAD exomes 0.00002 and 0.00005; ExAC 0.00007; 1000 Genomes Project 0.00040; 1000 Genomes Project 30x 0.00047.
gnomAD v4.1: 26 of 1,582,988 alleles (0.0016%); highest among the groups gnomAD compares: South Asian, 0.029%; 1 homozygote.

Submissions (2):

Labcorp Genetics (formerly Invitae), Labcorp
Classification: Likely benign for Sulfite oxidase deficiency due to molybdenum cofactor deficiency type C. Last evaluated: 2025-03-31. Review status: criteria provided, single submitter. Criteria: Invitae Variant Classification Sherloc (09022015). Collection method: clinical testing. Allele origin: germline.

PreventionGenetics, part of Exact Sciences
Classification: Likely benign for GPHN-related condition. Last evaluated: 2024-01-29. Review status: no assertion criteria provided. Collection method: clinical testing. Allele origin: germline. Not counted in ClinVar's aggregate classification.
Comment: This variant is classified as likely benign based on ACMG/AMP sequence variant interpretation guidelines (Richards et al. 2015 PMID: 25741868, with internal and published modifications).